The following is an entry in ClinVar:

NM_182493.3(MYLK3):c.238G>T (p.Gly80Trp)

Gene: MYLK3 (myosin light chain kinase 3; minus strand). Cytogenetic location: 16q11.2.
Variant type: single nucleotide variant.
Coding change: c.238G>T on transcript NM_182493.3 (MANE Select); coding-DNA position 238, G replaced by T.
Protein change: p.Gly80Trp; replaces glycine 80 with tryptophan.
Molecular consequence: missense variant. On other transcripts: intron variant (1).
Genome position (GRCh38, 1-based): chr16:46,747,956, C>A on the plus strand (G>T on the coding strand, the complement: MYLK3 is on the minus strand). VCF-style: chr16-46747956-C-A. GRCh37 (hg19) VCF-style: chr16-46781868-C-A.
Other names: c.-113-7809G>T (NM_001308301.1); short protein forms G80W.
Identifiers: ClinVar variation 2844847 (VCV002844847.3), dbSNP rs2143017213, ClinGen allele CA395798281.

ClinVar aggregate classification (germline): Uncertain significance (1 of 4 stars; one submission).

Allele frequency attached by ClinVar (database versions not stated): gnomAD exomes below 0.00001.
gnomAD v4.1: 1 of 1,613,326 alleles (0.000062%); highest among the groups gnomAD compares: Non-Finnish European, 0.000085%; no homozygotes.

Submission:

Labcorp Genetics (formerly Invitae), Labcorp
Classification: Uncertain significance. Last evaluated: 2023-03-10. Review status: criteria provided, single submitter. Criteria: Invitae Variant Classification Sherloc (09022015). Collection method: clinical testing. Allele origin: germline.
Comment: In summary, the available evidence is currently insufficient to determine the role of this variant in disease. Therefore, it has been classified as a Variant of Uncertain Significance. An algorithm developed to predict the effect of missense changes on protein structure and function (PolyPhen-2) suggests that this variant is likely to be disruptive. This variant has not been reported in the literature in individuals affected with MYLK3-related conditions. This variant is not present in population databases (gnomAD no frequency). This sequence change replaces glycine, which is neutral and non-polar, with tryptophan, which is neutral and slightly polar, at codon 80 of the MYLK3 protein (p.Gly80Trp).